The following is an entry in ClinVar:

NM_024334.3(TMEM43):c.1000+12G>A

Gene: TMEM43 (transmembrane protein 43; plus strand). Cytogenetic location: 3p25.1.
Variant type: single nucleotide variant.
Coding change: c.1000+12G>A on transcript NM_024334.3 (MANE Select); 12 bases into the intron after coding-DNA position 1000, G replaced by A.
Molecular consequence: intron variant.
Genome position (GRCh38, 1-based): chr3:14,139,309, G>A. VCF-style: chr3-14139309-G-A. GRCh37 (hg19) VCF-style: chr3-14180809-G-A.
Identifiers: ClinVar variation 393017 (VCV000393017.9), dbSNP rs749592639, ClinGen allele CA050787.

ClinVar aggregate classification (germline): Likely benign. Review status: criteria provided, multiple submitters, no conflicts (2 of 4 stars). 3 submissions from 3 submitters: Likely benign (3). Last evaluated 2026-01-13.

Conditions:
Arrhythmogenic right ventricular dysplasia 5. Also called: Arrhythmogenic Right Ventricular Dysplasia/Cardiomyopathy 5; ARRHYTHMOGENIC RIGHT VENTRICULAR DYSPLASIA, FAMILIAL, 5. Identifiers: MedGen C1858379, MONDO:0011459, OMIM 604400.

Allele frequency attached by ClinVar (database versions not stated): gnomAD exomes 0.00001 and 0.00002; ExAC 0.00002; gnomAD 0.00003; TOPMed 0.00008.
gnomAD v4.1: 17 of 1,590,938 alleles (0.0011%); highest among the groups gnomAD compares: Admixed American, 0.013%; no homozygotes.

Submissions (3):

Labcorp Genetics (formerly Invitae), Labcorp
Classification: Likely benign for Arrhythmogenic right ventricular dysplasia 5. Last evaluated: 2026-01-13. Review status: criteria provided, single submitter. Criteria: Invitae Variant Classification Sherloc (09022015). Collection method: clinical testing. Allele origin: germline.

Blueprint Genetics
Classification: Likely benign. Last evaluated: 2024-06-10. Review status: criteria provided, single submitter. Criteria: ACMG Guidelines, 2015. Collection method: clinical testing. Allele origin: germline.

GeneDx
Classification: Likely benign. Last evaluated: 2017-01-16. Review status: criteria provided, single submitter. Criteria: GeneDx Variant Classification (06012015). Collection method: clinical testing. Allele origin: germline. Affected: yes.
Comment: This variant is considered likely benign or benign based on one or more of the following criteria: it is a conservative change, it occurs at a poorly conserved position in the protein, it is predicted to be benign by multiple in silico algorithms, and/or has population frequency not consistent with disease.